The following is an entry in ClinVar:

ClinVar aggregate classification (germline): Uncertain significance (1 of 4 stars; one submission).

Conditions:
Progressive myoclonic epilepsy type 8. Identifiers: Orphanet 424027, MedGen C5190825, MONDO:0014545, OMIM 616230.

Allele frequency attached by ClinVar (database versions not stated): gnomAD exomes below 0.00001.

Submission:

Labcorp Genetics (formerly Invitae), Labcorp
Classification: Uncertain significance for Progressive myoclonic epilepsy type 8. Last evaluated: 2021-01-16. Review status: criteria provided, single submitter. Criteria: Invitae Variant Classification Sherloc (09022015). Collection method: clinical testing. Allele origin: germline.
Comment: In summary, the available evidence is currently insufficient to determine the role of this variant in disease. Therefore, it has been classified as a Variant of Uncertain Significance. This sequence change replaces aspartic acid with asparagine at codon 213 of the CERS1 protein (p.Asp213Asn). The aspartic acid residue is highly conserved and there is a small physicochemical difference between aspartic acid and asparagine. This variant is not present in population databases (ExAC no frequency). This variant has not been reported in the literature in individuals with CERS1-related conditions. Algorithms developed to predict the effect of missense changes on protein structure and function are either unavailable or do not agree on the potential impact of this missense change (SIFT: "Deleterious"; PolyPhen-2: "Probably Damaging"; Align-GVGD: "Class C15").

NM_021267.5(CERS1):c.637G>A (p.Asp213Asn)

Genes: CERS1 (ceramide synthase 1; minus strand), GDF1 (growth differentiation factor 1; minus strand). Cytogenetic location: 19p13.11.
Variant type: single nucleotide variant.
Coding change: c.637G>A on transcript NM_021267.5 (MANE Select); coding-DNA position 637, G replaced by A.
Protein change: p.Asp213Asn; replaces aspartic acid 213 with asparagine.
Molecular consequence: missense variant. On other transcripts: 5 prime UTR variant (1), intron variant (1).
Genome position (GRCh38, 1-based): chr19:18,880,389, C>T on the plus strand (G>A on the coding strand, the complement: CERS1 is on the minus strand). VCF-style: chr19-18880389-C-T. GRCh37 (hg19) VCF-style: chr19-18991198-C-T.
Other names: c.343G>A, p.Asp115Asn (NM_001290265.2, NM_001387442.1, NM_001387443.1 and 2 more transcripts); c.637G>A, p.Asp213Asn (NM_001387439.1, NM_001387440.1, NM_198207.3); c.592G>A, p.Asp198Asn (NM_001387441.1); c.-686G>A (NM_001492.6); c.-313+3698G>A (NM_001387438.1); short protein forms D198N, D115N, D213N.
Identifiers: ClinVar variation 1502997 (VCV001502997.8), dbSNP rs2146018809, ClinGen allele CA404866529.